The following is an entry in ClinVar:

ClinVar aggregate classification (germline): Pathogenic. Review status: criteria provided, multiple submitters, no conflicts (2 of 4 stars). 2 submissions from 2 submitters: Pathogenic (2). Last evaluated 2025-01-07.

Conditions:
Autosomal recessive polycystic kidney disease (ARPKD). Also called: AR polycystic kidney disease. Identifiers: Orphanet 731, Orphanet 8378, MedGen C0085548, MeSH D017044, MONDO:0009889.

Submissions (2):

Natera, Inc.
Classification: Pathogenic for Autosomal recessive polycystic kidney disease. Last evaluated: 2025-01-07. Review status: criteria provided, single submitter. Criteria: Natera Variant Classification Schema (03/2026). Collection method: clinical testing. Allele origin: germline.
Comment: The c.2407+1G>A variant in PKHD1 is a canonical splice donor site variant predicted to affect pre-mRNA splicing, which may result in an abnormal transcript and altered protein product. This variant is expected to result in nonsense mediated decay, truncation, or a dysfunctional protein product. This variant is rare in the general population with a frequency below the threshold expected for the associated phenotype(s). This variant has been observed in one or more individuals affected with the associated recessive disease, as either homozygous or compound heterozygous with a second variant (PMID: 33940108). Given the available evidence, this variant is classified as Pathogenic.

Eurofins Ntd Llc (ga)
Classification: Pathogenic. Last evaluated: 2012-09-13. Review status: criteria provided, single submitter. Criteria: EGL Classification Definitions. Collection method: clinical testing. Allele origin: germline. Observed: 3 variant alleles, 3 heterozygotes.

Literature cited by the submitters: PubMed 33940108 (cited by Natera, Inc.).

NM_138694.4(PKHD1):c.2407+1G>A

Gene: PKHD1 (PKHD1 ciliary IPT domain containing fibrocystin/polyductin; minus strand). Cytogenetic location: 6p12.2.
Variant type: single nucleotide variant.
Coding change: c.2407+1G>A on transcript NM_138694.4 (MANE Select); the canonical splice donor site of the intron after coding-DNA position 2407, G replaced by A.
Molecular consequence: splice donor variant.
Genome position (GRCh38, 1-based): chr6:52,048,491, C>T on the plus strand (G>A on the coding strand, the complement: PKHD1 is on the minus strand). VCF-style: chr6-52048491-C-T. GRCh37 (hg19) VCF-style: chr6-51913289-C-T.
Other names: c.2407+1G>A (NM_170724.3).
Identifiers: ClinVar variation 96389 (VCV000096389.7), dbSNP rs398124479, ClinGen allele CA224058.